The following is an entry in ClinVar:

NM_006393.3(NEBL):c.1227+5G>C

Gene: NEBL (nebulette; minus strand). Cytogenetic location: 10p12.31.
Variant type: single nucleotide variant.
Coding change: c.1227+5G>C on transcript NM_006393.3 (MANE Select); 5 bases into the intron after coding-DNA position 1227, G replaced by C.
Molecular consequence: intron variant.
Genome position (GRCh38, 1-based): chr10:20,845,253, C>G on the plus strand (G>C on the coding strand, the complement: NEBL is on the minus strand). VCF-style: chr10-20845253-C-G. GRCh37 (hg19) VCF-style: chr10-21134182-C-G.
Other names: c.250-32313G>C (NM_001377326.1, NM_001377327.1, NM_001377328.1); c.358-32313G>C (NM_213569.2, NM_001173484.2, NM_001377322.1); c.301-32313G>C (NM_001377324.1); c.292-32313G>C (NM_001377325.1); c.310-32313G>C (NM_001377323.1).
Identifiers: ClinVar variation 1463523 (VCV001463523.6), dbSNP rs370026081, ClinGen allele CA5432945.

ClinVar aggregate classification (germline): Uncertain significance (1 of 4 stars; one submission).

Conditions:
Primary dilated cardiomyopathy (DCM). Also called: Dilated Cardiomyopathy. Identifiers: Orphanet 217604, MedGen C0007193, MeSH D002311, MONDO:0005021, HP:0001644. Inheritance: Various modes of inheritance.

gnomAD v4.1: 2 of 1,517,082 alleles (0.00013%); highest among the groups gnomAD compares: Admixed American, 0.0034%; no homozygotes.

Submission:

Labcorp Genetics (formerly Invitae), Labcorp
Classification: Uncertain significance for Primary dilated cardiomyopathy. Last evaluated: 2020-11-02. Review status: criteria provided, single submitter. Criteria: Invitae Variant Classification Sherloc (09022015). Collection method: clinical testing. Allele origin: germline.
Comment: This sequence change falls in intron 12 of the NEBL gene. It does not directly change the encoded amino acid sequence of the NEBL protein. It affects a nucleotide within the consensus splice site of the intron. This variant is present in population databases (rs370026081, ExAC 0.02%). This variant has not been reported in the literature in individuals with NEBL-related conditions. Nucleotide substitutions within the consensus splice site are a relatively common cause of aberrant splicing (PMID: 17576681, 9536098). Algorithms developed to predict the effect of sequence changes on RNA splicing suggest that this variant may disrupt the consensus splice site, but this prediction has not been confirmed by published transcriptional studies. In summary, the available evidence is currently insufficient to determine the role of this variant in disease. Therefore, it has been classified as a Variant of Uncertain Significance.

Literature cited by the submitters: PubMed 17576681; PubMed 9536098.